The following is an entry in ClinVar:

ClinVar aggregate classification (germline): Uncertain significance. Review status: criteria provided, multiple submitters, no conflicts (2 of 4 stars). 4 submissions from 4 submitters: Uncertain significance (4). Last evaluated 2025-08-20.

Conditions:
Inborn genetic diseases. Identifiers: MedGen C0950123, MeSH D030342.

Allele frequency attached by ClinVar (database versions not stated): gnomAD exomes 0.00001 and 0.00002; TOPMed 0.00001; ExAC 0.00003.
gnomAD v4.1: 9 of 1,613,980 alleles (0.00056%); highest among the groups gnomAD compares: Middle Eastern, 0.033%; no homozygotes.

Submissions (4):

Ambry Genetics
Classification: Uncertain significance for Inborn genetic diseases. Last evaluated: 2025-08-20. Review status: criteria provided, single submitter. Criteria: Ambry Variant Classification Scheme 2023. Collection method: clinical testing. Allele origin: germline.

GeneDx
Classification: Uncertain significance. Last evaluated: 2025-04-29. Review status: criteria provided, single submitter. Criteria: GeneDx Variant Classification Process June 2021. Collection method: clinical testing. Allele origin: germline. Affected: yes.
Comment: In silico analysis indicates that this missense variant does not alter protein structure/function; Has not been previously published as pathogenic or benign to our knowledge

Labcorp Genetics (formerly Invitae), Labcorp
Classification: Uncertain significance. Last evaluated: 2025-04-01. Review status: criteria provided, single submitter. Criteria: Invitae Variant Classification Sherloc (09022015). Collection method: clinical testing. Allele origin: germline.
Comment: This sequence change replaces proline, which is neutral and non-polar, with leucine, which is neutral and non-polar, at codon 1611 of the NALCN protein (p.Pro1611Leu). This variant is present in population databases (rs772380055, gnomAD 0.0009%). This variant has not been reported in the literature in individuals affected with NALCN-related conditions. ClinVar contains an entry for this variant (Variation ID: 1254477). Invitae Evidence Modeling of protein sequence and biophysical properties (such as structural, functional, and spatial information, amino acid conservation, physicochemical variation, residue mobility, and thermodynamic stability) indicates that this missense variant is not expected to disrupt NALCN protein function with a negative predictive value of 80%. In summary, the available evidence is currently insufficient to determine the role of this variant in disease. Therefore, it has been classified as a Variant of Uncertain Significance.

Revvity Omics, Revvity
Classification: Uncertain significance. Last evaluated: 2022-02-03. Review status: criteria provided, single submitter. Criteria: ACMG Guidelines, 2015. Collection method: clinical testing. Allele origin: germline.

NM_052867.4(NALCN):c.4832C>T (p.Pro1611Leu)

Gene: NALCN (sodium leak channel, non-selective; minus strand). Cytogenetic location: 13q32.3.
Variant type: single nucleotide variant.
Coding change: c.4832C>T on transcript NM_052867.4 (MANE Select); coding-DNA position 4832, C replaced by T.
Protein change: p.Pro1611Leu; replaces proline 1611 with leucine.
Molecular consequence: missense variant.
Genome position (GRCh38, 1-based): chr13:101,059,891, G>A on the plus strand (C>T on the coding strand, the complement: NALCN is on the minus strand). VCF-style: chr13-101059891-G-A. GRCh37 (hg19) VCF-style: chr13-101712243-G-A.
Other names: c.4919C>T, p.Pro1640Leu (NM_001350748.2); c.4832C>T, p.Pro1611Leu (NM_001350749.2); c.4745C>T, p.Pro1582Leu (NM_001350750.2, NM_001350751.2); short protein forms P1582L, P1611L, P1640L.
Identifiers: ClinVar variation 1254477 (VCV001254477.10), dbSNP rs772380055, ClinGen allele CA7035012.
Genomic context (GRCh38, chr13:101,059,891, plus strand): 5'-CTGTTGTCCTGACTGTTGGCATTCGTGTCCTCACTGGGCTGGGTGGTCTCGATGCTGGGC[G>A]GGTTCAGAAACCGGCTCAGCTCTTGCTGCTGACTCTCTCTCAGGCTGTGGATGATACTGC-3'
Protein context (NP_443099.1, residues 1601-1621): QQQELSRFLN[Pro1611Leu]PSIETTQPSE